The following is an entry in ClinVar:

ClinVar aggregate classification (germline): Uncertain significance (1 of 4 stars; one submission).

Allele frequency attached by ClinVar (database versions not stated): gnomAD exomes 0.00003.
gnomAD v4.1: 38 of 1,609,638 alleles (0.0024%); highest among the groups gnomAD compares: Non-Finnish European, 0.003%; no homozygotes.

Submission:

Labcorp Genetics (formerly Invitae), Labcorp
Classification: Uncertain significance. Last evaluated: 2022-08-08. Review status: criteria provided, single submitter. Criteria: Invitae Variant Classification Sherloc (09022015). Collection method: clinical testing. Allele origin: germline.
Comment: This sequence change replaces proline, which is neutral and non-polar, with serine, which is neutral and polar, at codon 177 of the WDR1 protein (p.Pro177Ser). This variant is not present in population databases (gnomAD no frequency). This variant has not been reported in the literature in individuals affected with WDR1-related conditions. Algorithms developed to predict the effect of missense changes on protein structure and function are either unavailable or do not agree on the potential impact of this missense change (SIFT: "Tolerated"; PolyPhen-2: "Possibly Damaging"; Align-GVGD: "Class C0"). In summary, the available evidence is currently insufficient to determine the role of this variant in disease. Therefore, it has been classified as a Variant of Uncertain Significance.

NM_017491.5(WDR1):c.529C>T (p.Pro177Ser)

Gene: WDR1 (WD repeat domain 1; minus strand). Cytogenetic location: 4p16.1.
Variant type: single nucleotide variant.
Coding change: c.529C>T on transcript NM_017491.5 (MANE Select); coding-DNA position 529, C replaced by T.
Protein change: p.Pro177Ser; replaces proline 177 with serine.
Molecular consequence: missense variant. On other transcripts: intron variant (1).
Genome position (GRCh38, 1-based): chr4:10,097,740, G>A on the plus strand (C>T on the coding strand, the complement: WDR1 is on the minus strand). VCF-style: chr4-10097740-G-A. GRCh37 (hg19) VCF-style: chr4-10099364-G-A.
Other names: c.139-8999C>T (NM_005112.5); short protein forms P177S.
Identifiers: ClinVar variation 1927345 (VCV001927345.2), dbSNP rs1712434909, ClinGen allele CA356363097.